The following is an entry in ClinVar:

NM_012213.3(MLYCD):c.787A>G (p.Ser263Gly)

Gene: MLYCD (malonyl-CoA decarboxylase; plus strand). Cytogenetic location: 16q23.3.
Variant type: single nucleotide variant.
Coding change: c.787A>G on transcript NM_012213.3 (MANE Select); coding-DNA position 787, A replaced by G.
Protein change: p.Ser263Gly; replaces serine 263 with glycine.
Molecular consequence: missense variant.
Genome position (GRCh38, 1-based): chr16:83,908,271, A>G. VCF-style: chr16-83908271-A-G. GRCh37 (hg19) VCF-style: chr16-83941876-A-G.
Other names: short protein forms S263G.
Identifiers: ClinVar variation 320729 (VCV000320729.10), dbSNP rs570550620, ClinGen allele CA8197367.
Genomic context (GRCh38, chr16:83,908,271, plus strand): 5'-TGTTCGACCCCTGGGGAGCCCCTGGTCGTTTTGCACGTGGCACTGACTGGTGACATCTCC[A>G]GCAACATCCAGGTACCTGCGATGGTCAATTCGGGACAAGATGGGCACCCCATAGAGCCCC-3'
Protein context (NP_036345.2, residues 253-273): LHVALTGDIS[Ser263Gly]NIQAIVKEHP

ClinVar aggregate classification (germline): Uncertain significance. Review status: criteria provided, multiple submitters, no conflicts (2 of 4 stars). 3 submissions from 3 submitters: Uncertain significance (3). Last evaluated 2024-05-22.

Conditions:
Deficiency of malonyl-CoA decarboxylase. Also called: Malonic aciduria; MCD deficiency. Identifiers: Orphanet 943, MedGen C0342793, MONDO:0009556, OMIM 248360.
Inborn genetic diseases. Identifiers: MedGen C0950123, MeSH D030342.

Allele frequency attached by ClinVar (database versions not stated): ExAC 0.00002; gnomAD exomes 0.00002; gnomAD 0.00010 and 0.00012; TOPMed 0.00010.
gnomAD v4.1: 24 of 1,613,984 alleles (0.0015%); highest among the groups gnomAD compares: African/African-American, 0.032%; no homozygotes.

Submissions (3):

Labcorp Genetics (formerly Invitae), Labcorp
Classification: Uncertain significance for Deficiency of malonyl-CoA decarboxylase. Last evaluated: 2024-05-22. Review status: criteria provided, single submitter. Criteria: Invitae Variant Classification Sherloc (09022015). Collection method: clinical testing. Allele origin: germline.
Comment: This sequence change replaces serine, which is neutral and polar, with glycine, which is neutral and non-polar, at codon 263 of the MLYCD protein (p.Ser263Gly). This variant is present in population databases (rs570550620, gnomAD 0.03%). This variant has not been reported in the literature in individuals affected with MLYCD-related conditions. ClinVar contains an entry for this variant (Variation ID: 320729). An algorithm developed to predict the effect of missense changes on protein structure and function (PolyPhen-2) suggests that this variant is likely to be tolerated. In summary, the available evidence is currently insufficient to determine the role of this variant in disease. Therefore, it has been classified as a Variant of Uncertain Significance.

Ambry Genetics
Classification: Uncertain significance for Inborn genetic diseases. Last evaluated: 2023-11-17. Review status: criteria provided, single submitter. Criteria: Ambry Variant Classification Scheme 2023. Collection method: clinical testing. Allele origin: germline.

Illumina Laboratory Services, Illumina
Classification: Uncertain significance for Deficiency of malonyl-CoA decarboxylase. Last evaluated: 2018-01-12. Review status: criteria provided, single submitter. Criteria: ICSL Variant Classification Criteria 13 December 2019. Collection method: clinical testing. Allele origin: germline.